The following is an entry in ClinVar:

ClinVar aggregate classification (germline): Uncertain significance (1 of 4 stars; one submission).

Conditions:
Duchenne muscular dystrophy (DMD). Also called: Duchenne Muscular Dystrophy (DMD); MUSCULAR DYSTROPHY, PSEUDOHYPERTROPHIC PROGRESSIVE, DUCHENNE TYPE. Identifiers: Orphanet 98896, MedGen C0013264, MONDO:0010679, OMIM 310200.

Submission:

Labcorp Genetics (formerly Invitae), Labcorp
Classification: Uncertain significance for Duchenne muscular dystrophy. Last evaluated: 2025-07-13. Review status: criteria provided, single submitter. Criteria: Invitae Variant Classification Sherloc (09022015). Collection method: clinical testing. Allele origin: germline.
Comment: This sequence change replaces glycine, which is neutral and non-polar, with cysteine, which is neutral and slightly polar, at codon 394 of the DMD protein (p.Gly394Cys). This variant is not present in population databases (gnomAD no frequency). This variant has not been reported in the literature in individuals affected with DMD-related conditions. Invitae Evidence Modeling of protein sequence and biophysical properties (such as structural, functional, and spatial information, amino acid conservation, physicochemical variation, residue mobility, and thermodynamic stability) indicates that this missense variant is not expected to disrupt DMD protein function with a negative predictive value of 95%. In summary, the available evidence is currently insufficient to determine the role of this variant in disease. Therefore, it has been classified as a Variant of Uncertain Significance.

NM_004006.3(DMD):c.1180G>T (p.Gly394Cys)

Gene: DMD (dystrophin; minus strand). Cytogenetic location: Xp21.1.
Variant type: single nucleotide variant.
Coding change: c.1180G>T on transcript NM_004006.3 (MANE Select); coding-DNA position 1180, G replaced by T.
Protein change: p.Gly394Cys; replaces glycine 394 with cysteine.
Molecular consequence: missense variant.
Genome position (GRCh38, 1-based): chrX:32,644,283, C>A on the plus strand (G>T on the coding strand, the complement: DMD is on the minus strand). VCF-style: chrX-32644283-C-A. GRCh37 (hg19) VCF-style: chrX-32662400-C-A.
Other names: c.1156G>T, p.Gly386Cys (NM_000109.4); c.1168G>T, p.Gly390Cys (NM_004009.3); c.811G>T, p.Gly271Cys (NM_004010.3); short protein forms G271C, G386C, G390C, G394C.
Identifiers: ClinVar variation 4800988 (VCV004800988.1).